The following is an entry in ClinVar:

ClinVar aggregate classification (germline): Uncertain significance (1 of 4 stars; one submission).

Submission:

Labcorp Genetics (formerly Invitae), Labcorp
Classification: Uncertain significance. Last evaluated: 2022-11-01. Review status: criteria provided, single submitter. Criteria: Invitae Variant Classification Sherloc (09022015). Collection method: clinical testing. Allele origin: germline.
Comment: In summary, the available evidence is currently insufficient to determine the role of this variant in disease. Therefore, it has been classified as a Variant of Uncertain Significance. Advanced modeling of protein sequence and biophysical properties (such as structural, functional, and spatial information, amino acid conservation, physicochemical variation, residue mobility, and thermodynamic stability) has been performed at Invitae for this missense variant, however the output from this modeling did not meet the statistical confidence thresholds required to predict the impact of this variant on COL11A1 protein function. This variant has not been reported in the literature in individuals affected with COL11A1-related conditions. This variant is not present in population databases (gnomAD no frequency). This sequence change replaces aspartic acid, which is acidic and polar, with asparagine, which is neutral and polar, at codon 1589 of the COL11A1 protein (p.Asp1589Asn).

NM_001854.4(COL11A1):c.4765G>A (p.Asp1589Asn)

Gene: COL11A1 (collagen type XI alpha 1 chain; minus strand). Cytogenetic location: 1p21.1.
Variant type: single nucleotide variant.
Coding change: c.4765G>A on transcript NM_001854.4 (MANE Select); coding-DNA position 4765, G replaced by A.
Protein change: p.Asp1589Asn; replaces aspartic acid 1589 with asparagine.
Molecular consequence: missense variant. On other transcripts: non-coding transcript variant (1).
Genome position (GRCh38, 1-based): chr1:102,886,900, C>T on the plus strand (G>A on the coding strand, the complement: COL11A1 is on the minus strand). VCF-style: chr1-102886900-C-T. GRCh37 (hg19) VCF-style: chr1-103352456-C-T.
Other names: c.4417G>A, p.Asp1473Asn (NM_001168249.1, NM_080630.4); c.4648G>A, p.Asp1550Asn (NM_001190709.2); c.4801G>A, p.Asp1601Asn (NM_080629.3); short protein forms D1550N, D1589N, D1601N, D1473N.
Identifiers: ClinVar variation 2811271 (VCV002811271.3), dbSNP rs774042103, ClinGen allele CA341211909.
Genomic context (GRCh38, chr1:102,886,900, plus strand): 5'-CTTTACAAGTTCGGGCTGGATTGGTCTGAGTACCCATTGGAAATTTCATATGCTCAATGT[C>T]TTGTTTCAGGGAATTGAGGGAACCAAATATTTCTTCCATTCCATCCGAGTAATCAAGAAT-3'
Protein context (NP_001845.3, residues 1579-1599): IFGSLNSLKQ[Asp1589Asn]IEHMKFPMGT